The following is an entry in ClinVar:

ClinVar aggregate classification (germline): Uncertain significance. Review status: criteria provided, multiple submitters, no conflicts (2 of 4 stars). 4 submissions from 4 submitters: Uncertain significance (4). Last evaluated 2024-10-06.

Conditions:
Neurofibromatosis, type 1 (NF1). Also called: VON RECKLINGHAUSEN DISEASE; NEUROFIBROMATOSIS, TYPE I, SOMATIC; Peripheral type neurofibromatosis; Neurofibromatosis, type I. Identifiers: Orphanet 636, MedGen C0027831, MONDO:0018975, OMIM 162200. Disease mechanism: loss of function.
Cardiovascular phenotype. Identifiers: MedGen CN230736.
Hereditary cancer-predisposing syndrome. Also called: Hereditary Cancer Syndrome; Hereditary neoplastic syndrome; Tumor predisposition; Neoplastic Syndromes, Hereditary. Identifiers: Orphanet 140162, MedGen C0027672, MeSH D009386, MONDO:0015356.

Submissions (4):

Ambry Genetics
Classification: Uncertain significance for Cardiovascular phenotype; Hereditary cancer-predisposing syndrome. Last evaluated: 2024-10-06. Review status: criteria provided, single submitter. Criteria: Ambry Variant Classification Scheme 2023. Collection method: clinical testing. Allele origin: germline.
Comment: The p.T30P variant (also known as c.88A>C), located in coding exon 2 of the NF1 gene, results from an A to C substitution at nucleotide position 88. The threonine at codon 30 is replaced by proline, an amino acid with highly similar properties. This amino acid position is highly conserved in available vertebrate species. In addition, the in silico prediction for this alteration is inconclusive. Since supporting evidence is limited at this time, the clinical significance of this alteration remains unclear.

Labcorp Genetics (formerly Invitae), Labcorp
Classification: Uncertain significance for Neurofibromatosis, type 1. Last evaluated: 2024-08-19. Review status: criteria provided, single submitter. Criteria: Invitae Variant Classification Sherloc (09022015). Collection method: clinical testing. Allele origin: germline.
Comment: This sequence change replaces threonine, which is neutral and polar, with proline, which is neutral and non-polar, at codon 30 of the NF1 protein (p.Thr30Pro). This variant is not present in population databases (gnomAD no frequency). This variant has not been reported in the literature in individuals affected with NF1-related conditions. ClinVar contains an entry for this variant (Variation ID: 457875). Invitae Evidence Modeling of protein sequence and biophysical properties (such as structural, functional, and spatial information, amino acid conservation, physicochemical variation, residue mobility, and thermodynamic stability) has been performed for this missense variant. However, the output from this modeling did not meet the statistical confidence thresholds required to predict the impact of this variant on NF1 protein function. In summary, the available evidence is currently insufficient to determine the role of this variant in disease. Therefore, it has been classified as a Variant of Uncertain Significance.

Genome-Nilou Lab
Classification: Uncertain significance for Neurofibromatosis, type 1. Last evaluated: 2022-03-15. Review status: criteria provided, single submitter. Criteria: ACMG Guidelines, 2015. Collection method: clinical testing. Allele origin: germline. Affected: no.

GeneDx
Classification: Uncertain significance. Last evaluated: 2019-10-08. Review status: criteria provided, single submitter. Criteria: GeneDx Variant Classification Process June 2021. Collection method: clinical testing. Allele origin: germline. Affected: yes.
Comment: Not observed in large population cohorts (Lek 2016); In silico analysis, which includes protein predictors and evolutionary conservation, supports a deleterious effect; Has not been previously published as pathogenic or benign to our knowledge

NM_001042492.3(NF1):c.88A>C (p.Thr30Pro)

Gene: NF1 (neurofibromin 1; plus strand). Cytogenetic location: 17q11.2.
Variant type: single nucleotide variant.
Coding change: c.88A>C on transcript NM_001042492.3 (MANE Select); coding-DNA position 88, A replaced by C.
Protein change: p.Thr30Pro; replaces threonine 30 with proline.
Molecular consequence: missense variant.
Genome position (GRCh38, 1-based): chr17:31,156,010, A>C. VCF-style: chr17-31156010-A-C. GRCh37 (hg19) VCF-style: chr17-29483028-A-C.
Other names: c.88A>C, p.Thr30Pro (NM_000267.4, NM_001128147.3); short protein forms T30P.
Identifiers: ClinVar variation 457875 (VCV000457875.14), dbSNP rs1555604881, ClinGen allele CA398988172.